The following is an entry in ClinVar:

ClinVar aggregate classification (germline): Pathogenic (1 of 4 stars; one submission).

Conditions:
Cystic fibrosis (CF). Also called: MUCOVISCIDOSIS. Identifiers: Orphanet 586, MedGen C0010674, MONDO:0009061, OMIM 219700. Disease mechanism: loss of function.

Submission:

Institute of Human Genetics, University of Leipzig Medical Center
Classification: Pathogenic for Cystic fibrosis. Last evaluated: 2022-09-05. Review status: criteria provided, single submitter. Criteria: ACMG Guidelines, 2015. Collection method: curation. Allele origin: unknown. Affected: yes. Observed: 1 variant allele.
Comment: The variant was classified in the context of a project re-classifying variants in the German Cystic Fibrosis Registry (Muko.e.V.). Criteria applied: PVS1, PS2, PM2_SUP, PM3, PP4

NM_000492.4(CFTR):c.1762G>T (p.Glu588Ter)

Gene: CFTR (CF transmembrane conductance regulator; plus strand). Cytogenetic location: 7q31.2.
Variant type: single nucleotide variant.
Coding change: c.1762G>T on transcript NM_000492.4 (MANE Select); coding-DNA position 1762, G replaced by T.
Protein change: p.Glu588Ter; replaces glutamic acid 588 with a stop codon.
Molecular consequence: nonsense.
Genome position (GRCh38, 1-based): chr7:117,590,435, G>T. VCF-style: chr7-117590435-G-T. GRCh37 (hg19) VCF-style: chr7-117230489-G-T.
Other names: short protein forms E588*.
Identifiers: ClinVar variation 1706064 (VCV001706064.1), dbSNP rs755986694, ClinGen allele CA368977299.
Genomic context (GRCh38, chr7:117,590,435, plus strand): 5'-TTGTATTTATTAGACTCTCCTTTTGGATACCTAGATGTTTTAACAGAAAAAGAAATATTT[G>T]AAAGGTATGTTCTTTGAATACCTTACTTATAATGCTCATGCTAAAATAAAAGAAAGACAG-3'